The following is an entry in ClinVar:

ClinVar aggregate classification (germline): Uncertain significance (1 of 4 stars; one submission).

Conditions:
Spastic paraplegia. Identifiers: MedGen C0037772, HP:0001258.

Allele frequency attached by ClinVar (database versions not stated): gnomAD 0.00001; TOPMed 0.00001.
gnomAD v4.1: 9 of 1,428,858 alleles (0.00063%); highest among the groups gnomAD compares: Non-Finnish European, 0.00082%; no homozygotes.

Submission:

Labcorp Genetics (formerly Invitae), Labcorp
Classification: Uncertain significance for Spastic paraplegia. Last evaluated: 2024-04-22. Review status: criteria provided, single submitter. Criteria: Invitae Variant Classification Sherloc (09022015). Collection method: clinical testing. Allele origin: germline.
Comment: This sequence change replaces alanine, which is neutral and non-polar, with valine, which is neutral and non-polar, at codon 343 of the GJC2 protein (p.Ala343Val). This variant is not present in population databases (gnomAD no frequency). This variant has not been reported in the literature in individuals affected with GJC2-related conditions. ClinVar contains an entry for this variant (Variation ID: 1348910). Advanced modeling of protein sequence and biophysical properties (such as structural, functional, and spatial information, amino acid conservation, physicochemical variation, residue mobility, and thermodynamic stability) has been performed at Invitae for this missense variant, however the output from this modeling did not meet the statistical confidence thresholds required to predict the impact of this variant on GJC2 protein function. In summary, the available evidence is currently insufficient to determine the role of this variant in disease. Therefore, it has been classified as a Variant of Uncertain Significance.

NM_020435.4(GJC2):c.1028C>T (p.Ala343Val)

Gene: GJC2 (gap junction protein gamma 2; plus strand). Cytogenetic location: 1q42.13.
Variant type: single nucleotide variant.
Coding change: c.1028C>T on transcript NM_020435.4 (MANE Select); coding-DNA position 1028, C replaced by T.
Protein change: p.Ala343Val; replaces alanine 343 with valine.
Molecular consequence: missense variant.
Genome position (GRCh38, 1-based): chr1:228,158,786, C>T. VCF-style: chr1-228158786-C-T. GRCh37 (hg19) VCF-style: chr1-228346487-C-T.
Other names: short protein forms A343V.
Identifiers: ClinVar variation 1348910 (VCV001348910.8), dbSNP rs1157071248, ClinGen allele CA345100414.